The following is an entry in ClinVar:

ClinVar aggregate classification (germline): Uncertain significance (1 of 4 stars; one submission).

Submission:

GeneDx
Classification: Uncertain significance. Last evaluated: 2022-08-16. Review status: criteria provided, single submitter. Criteria: GeneDx Variant Classification Process June 2021. Collection method: clinical testing. Allele origin: germline. Affected: yes.
Comment: Not observed at significant frequency in large population cohorts (gnomAD); In silico analysis supports that this missense variant has a deleterious effect on protein structure/function; Has not been previously published as pathogenic or benign to our knowledge

NM_052867.4(NALCN):c.3334C>T (p.Leu1112Phe)

Gene: NALCN (sodium leak channel, non-selective; minus strand). Cytogenetic location: 13q32.3.
Variant type: single nucleotide variant.
Coding change: c.3334C>T on transcript NM_052867.4 (MANE Select); coding-DNA position 3334, C replaced by T.
Protein change: p.Leu1112Phe; replaces leucine 1112 with phenylalanine.
Molecular consequence: missense variant.
Genome position (GRCh38, 1-based): chr13:101,089,902, G>A on the plus strand (C>T on the coding strand, the complement: NALCN is on the minus strand). VCF-style: chr13-101089902-G-A. GRCh37 (hg19) VCF-style: chr13-101742253-G-A.
Other names: c.3421C>T, p.Leu1141Phe (NM_001350748.2); c.3334C>T, p.Leu1112Phe (NM_001350749.2); c.3247C>T, p.Leu1083Phe (NM_001350750.2, NM_001350751.2); short protein forms L1083F, L1112F, L1141F.
Identifiers: ClinVar variation 2430692 (VCV002430692.1), dbSNP rs2502043439, ClinGen allele CA388653178.